The following is an entry in ClinVar:

NM_006118.4(HAX1):c.458C>T (p.Ser153Phe)

Gene: HAX1 (HCLS1 associated protein X-1; plus strand). Cytogenetic location: 1q21.3.
Variant type: single nucleotide variant.
Coding change: c.458C>T on transcript NM_006118.4 (MANE Select); coding-DNA position 458, C replaced by T.
Protein change: p.Ser153Phe; replaces serine 153 with phenylalanine.
Molecular consequence: missense variant.
Genome position (GRCh38, 1-based): chr1:154,273,915, C>T. VCF-style: chr1-154273915-C-T. GRCh37 (hg19) VCF-style: chr1-154246391-C-T.
Other names: c.314C>T, p.Ser105Phe (NM_001018837.2); short protein forms S153F, S105F.
Identifiers: ClinVar variation 3856856 (VCV003856856.1).

ClinVar aggregate classification (germline): Uncertain significance (1 of 4 stars; one submission).

Conditions:
Inborn genetic diseases. Identifiers: MedGen C0950123, MeSH D030342.

gnomAD v4.1: 2 of 1,614,026 alleles (0.00012%); highest among the groups gnomAD compares: Non-Finnish European, 0.00017%; no homozygotes.

Submission:

Ambry Genetics
Classification: Uncertain significance for Inborn genetic diseases. Last evaluated: 2024-12-14. Review status: criteria provided, single submitter. Criteria: Ambry Variant Classification Scheme 2023. Collection method: clinical testing. Allele origin: germline.
Comment: The p.S153F variant (also known as c.458C>T), located in coding exon 3 of the HAX1 gene, results from a C to T substitution at nucleotide position 458. The serine at codon 153 is replaced by phenylalanine, an amino acid with highly dissimilar properties. This amino acid position is conserved. In addition, this alteration is predicted to be tolerated by in silico analysis. Based on the available evidence, the clinical significance of this variant remains unclear.